The following is an entry in ClinVar:

ClinVar aggregate classification (germline): Uncertain significance. Review status: criteria provided, multiple submitters, no conflicts (2 of 4 stars). 2 submissions from 2 submitters: Uncertain significance (2). Last evaluated 2025-06-24.

Conditions:
Hereditary cancer-predisposing syndrome. Also called: Neoplastic Syndromes, Hereditary; Hereditary Cancer Syndrome; Hereditary neoplastic syndrome; Tumor predisposition. Identifiers: Orphanet 140162, MedGen C0027672, MeSH D009386, MONDO:0015356.
Neuroblastoma, susceptibility to, 3. Also called: ALK-Related Neuroblastic Tumor Susceptibility. Identifiers: Orphanet 635, MedGen C2751681, MONDO:0013083, OMIM 613014.

Allele frequency attached by ClinVar (database versions not stated): gnomAD exomes below 0.00001; ExAC 0.00001.
gnomAD v4.1: 3 of 1,614,212 alleles (0.00019%); highest among the groups gnomAD compares: East Asian, 0.0022%; no homozygotes.

Submissions (2):

Ambry Genetics
Classification: Uncertain significance for Hereditary cancer-predisposing syndrome. Last evaluated: 2025-06-24. Review status: criteria provided, single submitter. Criteria: Ambry Variant Classification Scheme 2023. Collection method: clinical testing. Allele origin: germline.
Comment: The p.T1506M variant (also known as c.4517C>T), located in coding exon 29 of the ALK gene, results from a C to T substitution at nucleotide position 4517. The threonine at codon 1506 is replaced by methionine, an amino acid with similar properties. This amino acid position is highly conserved in available vertebrate species. In addition, the in silico prediction for this alteration is inconclusive. Based on the available evidence, the clinical significance of this variant remains unclear.

Labcorp Genetics (formerly Invitae), Labcorp
Classification: Uncertain significance for Neuroblastoma, susceptibility to, 3. Last evaluated: 2025-06-11. Review status: criteria provided, single submitter. Criteria: Invitae Variant Classification Sherloc (09022015). Collection method: clinical testing. Allele origin: germline.
Comment: This sequence change replaces threonine, which is neutral and polar, with methionine, which is neutral and non-polar, at codon 1506 of the ALK protein (p.Thr1506Met). This variant is present in population databases (rs765034301, gnomAD 0.0009%). This variant has not been reported in the literature in individuals affected with ALK-related conditions. ClinVar contains an entry for this variant (Variation ID: 2193741). An algorithm developed to predict the effect of missense changes on protein structure and function (PolyPhen-2) suggests that this variant is likely to be disruptive. In summary, the available evidence is currently insufficient to determine the role of this variant in disease. Therefore, it has been classified as a Variant of Uncertain Significance.

NM_004304.5(ALK):c.4517C>T (p.Thr1506Met)

Gene: ALK (ALK receptor tyrosine kinase; minus strand). Cytogenetic location: 2p23.2.
Variant type: single nucleotide variant.
Coding change: c.4517C>T on transcript NM_004304.5 (MANE Select); coding-DNA position 4517, C replaced by T.
Protein change: p.Thr1506Met; replaces threonine 1506 with methionine.
Molecular consequence: missense variant.
Genome position (GRCh38, 1-based): chr2:29,193,570, G>A on the plus strand (C>T on the coding strand, the complement: ALK is on the minus strand). VCF-style: chr2-29193570-G-A. GRCh37 (hg19) VCF-style: chr2-29416436-G-A.
Other names: c.1313C>T, p.Thr438Met (NM_001353765.2); c.4517C>T (NM_004304.4); short protein forms T1506M, T438M.
Identifiers: ClinVar variation 2193741 (VCV002193741.5), dbSNP rs765034301, ClinGen allele CA1593553.